The following is an entry in ClinVar:

NM_001042492.3(NF1):c.2589_2590dup (p.Ser864fs)

Gene: NF1 (neurofibromin 1; plus strand). Cytogenetic location: 17q11.2.
Variant type: Microsatellite.
Coding change: c.2589_2590dup on transcript NM_001042492.3 (MANE Select); coding-DNA positions 2589 to 2590, 2 bases duplicated (TA; older notation c.2589_2590dupTA).
Protein change: p.Ser864fs; shifts the reading frame from serine 864.
Molecular consequence: frameshift variant.
Genome position (GRCh38, 1-based): chr17:31,229,204-31,229,205, TA duplicated; duplicating any 2 consecutive bases within chr17:31,229,202-31,229,205 gives the same sequence; the c. name uses the placement nearest the transcript's 3' end. VCF-style (leftmost placement, unchanged base first): chr17-31229201-C-CTA. GRCh37 (hg19) VCF-style: chr17-29556219-C-CTA.
Other names: c.2587_2588TA[3], p.Ser864Ilefs (NM_000267.4); short protein forms S864fs.
Identifiers: ClinVar variation 3385376 (VCV003385376.1).

ClinVar aggregate classification (germline): Likely pathogenic (1 of 4 stars; one submission).

Conditions:
Neurofibromatosis, type 1 (NF1). Also called: Neurofibromatosis, type I; VON RECKLINGHAUSEN DISEASE; NEUROFIBROMATOSIS, TYPE I, SOMATIC; Peripheral type neurofibromatosis. Identifiers: Orphanet 636, MedGen C0027831, MONDO:0018975, OMIM 162200. Disease mechanism: loss of function.

Submission:

Department of Human Genetics, Hannover Medical School
Classification: Likely pathogenic for Neurofibromatosis, type 1. Last evaluated: 2024-12-13. Review status: criteria provided, single submitter. Criteria: ACMG Guidelines, 2015. Collection method: clinical testing. Allele origin: germline. Affected: yes.
Comment: PVS1, PM2_Supporting